The following is an entry in ClinVar:

ClinVar aggregate classification (germline): Uncertain significance (1 of 4 stars; one submission).

Submission:

GeneDx
Classification: Uncertain significance. Last evaluated: 2025-01-27. Review status: criteria provided, single submitter. Criteria: GeneDx Variant Classification Process June 2021. Collection method: clinical testing. Allele origin: germline. Affected: yes.
Comment: Not observed at significant frequency in large population cohorts (gnomAD); In silico analysis supports that this missense variant has a deleterious effect on protein structure/function; Has not been previously published as pathogenic or benign to our knowledge

NM_020774.4(MIB1):c.1908A>T (p.Leu636Phe)

Gene: MIB1 (MIB E3 ubiquitin protein ligase 1; plus strand). Cytogenetic location: 18q11.2.
Variant type: single nucleotide variant.
Coding change: c.1908A>T on transcript NM_020774.4 (MANE Select); coding-DNA position 1908, A replaced by T.
Protein change: p.Leu636Phe; replaces leucine 636 with phenylalanine.
Molecular consequence: missense variant.
Genome position (GRCh38, 1-based): chr18:21,838,443, A>T. VCF-style: chr18-21838443-A-T. GRCh37 (hg19) VCF-style: chr18-19418404-A-T.
Other names: short protein forms L636F.
Identifiers: ClinVar variation 4071861 (VCV004071861.1).